The following is an entry in ClinVar:

ClinVar aggregate classification (germline): Likely pathogenic (1 of 4 stars; one submission).

Conditions:
Autosomal recessive polycystic kidney disease (ARPKD). Also called: AR polycystic kidney disease. Identifiers: Orphanet 731, Orphanet 8378, MedGen C0085548, MeSH D017044, MONDO:0009889.

Submission:

Natera, Inc.
Classification: Likely pathogenic for Autosomal recessive polycystic kidney disease. Last evaluated: 2025-06-17. Review status: criteria provided, single submitter. Criteria: Natera Variant Classification Schema (03/2026). Collection method: clinical testing. Allele origin: germline.
Comment: The c.11311-1G>T variant in PKHD1 is a canonical splice acceptor site variant predicted to affect pre-mRNA splicing, which may result in an abnormal transcript and altered protein product. This variant is expected to result in nonsense mediated decay, truncation, or a dysfunctional protein product. This variant is rare in the general population with a frequency below the threshold expected for the associated phenotype(s). Given the available evidence, this variant is classified as Likely Pathogenic.

NM_138694.4(PKHD1):c.11311-1G>T

Gene: PKHD1 (PKHD1 ciliary IPT domain containing fibrocystin/polyductin; minus strand). Cytogenetic location: 6p12.3.
Variant type: single nucleotide variant.
Coding change: c.11311-1G>T on transcript NM_138694.4 (MANE Select); the canonical splice acceptor site of the intron before coding-DNA position 11311, G replaced by T.
Molecular consequence: splice acceptor variant.
Genome position (GRCh38, 1-based): chr6:51,648,119, C>A on the plus strand (G>T on the coding strand, the complement: PKHD1 is on the minus strand). VCF-style: chr6-51648119-C-A. GRCh37 (hg19) VCF-style: chr6-51512917-C-A.
Identifiers: ClinVar variation 4816550 (VCV004816550.1).